The following is an entry in ClinVar:

NM_001035.3(RYR2):c.7958C>A (p.Ser2653Tyr)

Gene: RYR2 (ryanodine receptor 2; plus strand). Cytogenetic location: 1q43.
Variant type: single nucleotide variant.
Coding change: c.7958C>A on transcript NM_001035.3 (MANE Select); coding-DNA position 7958, C replaced by A.
Protein change: p.Ser2653Tyr; replaces serine 2653 with tyrosine.
Molecular consequence: missense variant.
Genome position (GRCh38, 1-based): chr1:237,654,407, C>A. VCF-style: chr1-237654407-C-A. GRCh37 (hg19) VCF-style: chr1-237817707-C-A.
Other names: c.7958C>A, p.Ser2653Tyr (LRG_402t1); short protein forms S2653Y.
Identifiers: ClinVar variation 532363 (VCV000532363.10), dbSNP rs1553269691, ClinGen allele CA345400555.
Genomic context (GRCh38, chr1:237,654,407, plus strand): 5'-CCTCAGAAGAAGAACTTCATTTATCAAGAAAGTTGTTCTGGGGCATTTTTGATGCCCTGT[C>A]TCAAAAGGTAATTTAATGGTTTGTGGGTTTGTTTGTATCAATAAAATGGTATAGAGCCAC-3'
Protein context (NP_001026.2, residues 2643-2663): KLFWGIFDAL[Ser2653Tyr]QKKYEQELFK

ClinVar aggregate classification (germline): Uncertain significance (1 of 4 stars; one submission).

Conditions:
Catecholaminergic polymorphic ventricular tachycardia 1. Also called: VENTRICULAR TACHYCARDIA, CATECHOLAMINERGIC POLYMORPHIC, 1, WITH OR WITHOUT ATRIAL DYSFUNCTION AND/OR DILATED CARDIOMYOPATHY; RYR2-Related Catecholaminergic Polymorphic Ventricular Tachycardia; VENTRICULAR TACHYCARDIA, STRESS-INDUCED POLYMORPHIC 1. Identifiers: Orphanet 3286, MedGen C1631597, MONDO:0011484, OMIM 604772.

Submission:

Labcorp Genetics (formerly Invitae), Labcorp
Classification: Uncertain significance for Catecholaminergic polymorphic ventricular tachycardia 1. Last evaluated: 2017-10-05. Review status: criteria provided, single submitter. Criteria: Invitae Variant Classification Sherloc (09022015). Collection method: clinical testing. Allele origin: germline.
Comment: This variant does not occur within one of the three regions of the RYR2 gene (N-terminal domain, central domain, or channel region) where other pathogenic variants have been reported to cluster (PMID: 19926015). In summary, the available evidence is currently insufficient to determine the role of this variant in disease. Therefore, it has been classified as a Variant of Uncertain Significance. Algorithms developed to predict the effect of missense changes on protein structure and function (SIFT, PolyPhen-2, Align-GVGD) all suggest that this variant is likely to be disruptive, but these predictions have not been confirmed by published functional studies and their clinical significance is uncertain. This variant has not been reported in the literature in individuals with RYR2-related disease. This variant is not present in population databases (ExAC no frequency). This sequence change replaces serine with tyrosine at codon 2653 of the RYR2 protein (p.Ser2653Tyr). The serine residue is highly conserved and there is a large physicochemical difference between serine and tyrosine.

Literature cited by the submitters: PubMed 19926015.